The following is an entry in ClinVar:

ClinVar aggregate classification (germline): Uncertain significance (1 of 4 stars; one submission).

Conditions:
Idiopathic generalized epilepsy. Also called: Generalised epilepsy; EIG. Identifiers: MedGen C0270850, MONDO:0005579, OMIM 600669.

Allele frequency attached by ClinVar (database versions not stated): ExAC 0.00001; gnomAD 0.00001; gnomAD exomes 0.00001; TOPMed 0.00001.
gnomAD v4.1: 14 of 1,612,560 alleles (0.00087%); highest among the groups gnomAD compares: African/African-American, 0.0027%; no homozygotes.

Submission:

Labcorp Genetics (formerly Invitae), Labcorp
Classification: Uncertain significance for Idiopathic generalized epilepsy. Last evaluated: 2024-01-19. Review status: criteria provided, single submitter. Criteria: Invitae Variant Classification Sherloc (09022015). Collection method: clinical testing. Allele origin: germline.
Comment: This sequence change replaces valine, which is neutral and non-polar, with methionine, which is neutral and non-polar, at codon 356 of the GABRD protein (p.Val356Met). This variant is present in population databases (rs761171989, gnomAD 0.008%). This variant has not been reported in the literature in individuals affected with GABRD-related conditions. Algorithms developed to predict the effect of missense changes on protein structure and function output the following: SIFT: "Not Available"; PolyPhen-2: "Benign"; Align-GVGD: "Not Available". The methionine amino acid residue is found in multiple mammalian species, which suggests that this missense change does not adversely affect protein function. In summary, the available evidence is currently insufficient to determine the role of this variant in disease. Therefore, it has been classified as a Variant of Uncertain Significance.

NM_000815.5(GABRD):c.1066G>A (p.Val356Met)

Gene: GABRD (gamma-aminobutyric acid type A receptor subunit delta; plus strand). Cytogenetic location: 1p36.33.
Variant type: single nucleotide variant.
Coding change: c.1066G>A on transcript NM_000815.5 (MANE Select); coding-DNA position 1066, G replaced by A.
Protein change: p.Val356Met; replaces valine 356 with methionine.
Molecular consequence: missense variant.
Genome position (GRCh38, 1-based): chr1:2,029,989, G>A. VCF-style: chr1-2029989-G-A. GRCh37 (hg19) VCF-style: chr1-1961428-G-A.
Other names: short protein forms V356M.
Identifiers: ClinVar variation 2756977 (VCV002756977.3), dbSNP rs761171989, ClinGen allele CA534904.